The following is an entry in ClinVar:

NM_000384.3(APOB):c.7346G>A (p.Arg2449Lys)

Gene: APOB (apolipoprotein B; minus strand). Cytogenetic location: 2p24.1.
Variant type: single nucleotide variant.
Coding change: c.7346G>A on transcript NM_000384.3 (MANE Select); coding-DNA position 7346, G replaced by A.
Protein change: p.Arg2449Lys; replaces arginine 2449 with lysine.
Molecular consequence: missense variant.
Genome position (GRCh38, 1-based): chr2:21,009,522, C>T on the plus strand (G>A on the coding strand, the complement: APOB is on the minus strand). VCF-style: chr2-21009522-C-T. GRCh37 (hg19) VCF-style: chr2-21232394-C-T.
Other names: short protein forms R2449K.
Identifiers: ClinVar variation 2681937 (VCV002681937.2), dbSNP rs576639442, ClinGen allele CA43502707.

ClinVar aggregate classification (germline): Uncertain significance. Review status: criteria provided, multiple submitters, no conflicts (2 of 4 stars). 2 submissions from 2 submitters: Uncertain significance (2). Last evaluated 2024-06-26.

Conditions:
Cardiovascular phenotype. Identifiers: MedGen CN230736.

Allele frequency attached by ClinVar (database versions not stated): gnomAD exomes below 0.00001; gnomAD 0.00001.
gnomAD v4.1: 5 of 1,613,940 alleles (0.00031%); highest among the groups gnomAD compares: Non-Finnish European, 0.00042%; no homozygotes.

Submissions (2):

Ambry Genetics
Classification: Uncertain significance for Cardiovascular phenotype. Last evaluated: 2024-06-26. Review status: criteria provided, single submitter. Criteria: Ambry Variant Classification Scheme 2023. Collection method: clinical testing. Allele origin: germline.
Comment: The p.R2449K variant (also known as c.7346G>A), located in coding exon 26 of the APOB gene, results from a G to A substitution at nucleotide position 7346. The arginine at codon 2449 is replaced by lysine, an amino acid with highly similar properties. This amino acid position is conserved. In addition, this alteration is predicted to be tolerated by in silico analysis. Based on the available evidence, the clinical significance of this variant remains unclear.

Quest Diagnostics Nichols Institute San Juan Capistrano
Classification: Uncertain significance. Last evaluated: 2023-02-17. Review status: criteria provided, single submitter. Criteria: Quest Diagnostics criteria. Collection method: clinical testing. Allele origin: unknown.
Comment: This variant has not been reported in the published literature. The frequency of this variant in the general population, 0.000032 (1/31398 chromosomes), is uninformative in assessment of its pathogenicity. Analysis of this variant using bioinformatics tools for the prediction of the effect of amino acid changes on protein structure and function yielded predictions that this variant is benign. Based on the available information, we are unable to determine the clinical significance of this variant.